The following is an entry in ClinVar:

ClinVar aggregate classification (germline): Pathogenic (1 of 4 stars; one submission).

Conditions:
Neurofibromatosis, type 1 (NF1). Also called: VON RECKLINGHAUSEN DISEASE; NEUROFIBROMATOSIS, TYPE I, SOMATIC; Peripheral type neurofibromatosis; Neurofibromatosis, type I. Identifiers: Orphanet 636, MedGen C0027831, MONDO:0018975, OMIM 162200. Disease mechanism: loss of function.

Submission:

Myriad Genetics, Inc.
Classification: Pathogenic for Neurofibromatosis, type 1. Last evaluated: 2026-05-18. Review status: criteria provided, single submitter. Criteria: Myriad Autosomal Dominant, Autosomal Recessive and X-Linked Classification Criteria (2023). Collection method: clinical testing. Allele origin: unknown.
Comment: This variant is considered pathogenic. This variant creates a frameshift predicted to result in premature protein truncation.

NM_001042492.3(NF1):c.1824del (p.Asn608fs)

Gene: NF1 (neurofibromin 1; plus strand). Cytogenetic location: 17q11.2.
Variant type: Deletion.
Coding change: c.1824del on transcript NM_001042492.3 (MANE Select); coding-DNA position 1824, one base deleted (T; older notation c.1824delT).
Protein change: p.Asn608fs; shifts the reading frame from asparagine 608.
Molecular consequence: frameshift variant.
Genome position (GRCh38, 1-based): chr17:31,223,546, T deleted. VCF-style (leftmost placement, unchanged base first): chr17-31223545-AT-A. GRCh37 (hg19) VCF-style: chr17-29550563-AT-A.
Other names: c.1824del, p.Asn608fs (NM_000267.4); short protein forms N608fs.
Identifiers: ClinVar variation 4876055 (VCV004876055.1).